The following is an entry in ClinVar:

ClinVar aggregate classification (germline): Benign/Likely benign. Review status: criteria provided, multiple submitters, no conflicts (2 of 4 stars). 3 submissions from 3 submitters: Benign (1); Likely benign (1). 1 of the submissions does not count toward it. Last evaluated 2026-01-31.

Conditions:
Epileptic encephalopathy. Identifiers: MedGen C0543888, HP:0200134.
FASN-related disorder. Also called: FASN-related condition.

Allele frequency attached by ClinVar (database versions not stated): 1000 Genomes Project 30x 0.00187; TOPMed 0.00288; ESP Exome Variant Server 0.00377; gnomAD exomes 0.00467 and 0.00553; ExAC 0.00494; gnomAD 0.00550 and 0.00581; 1000 Genomes Project 0.00180.
gnomAD v4.1: 7,650 of 1,612,758 alleles (0.47%); highest among the groups gnomAD compares: Non-Finnish European, 0.43%; 53 homozygotes.

Submissions (3):

Labcorp Genetics (formerly Invitae), Labcorp
Classification: Benign for Epileptic encephalopathy. Last evaluated: 2026-01-31. Review status: criteria provided, single submitter. Criteria: Invitae Variant Classification Sherloc (09022015). Collection method: clinical testing. Allele origin: germline.

CeGaT Center for Human Genetics Tuebingen
Classification: Likely benign. Last evaluated: 2025-07-01. Review status: criteria provided, single submitter. Criteria: CeGaT Center For Human Genetics Tuebingen Variant Classification Criteria Version 2. Collection method: clinical testing. Allele origin: germline. Affected: yes. Observed: 4 variant alleles.
Comment: FASN: BP4, BS2

PreventionGenetics, part of Exact Sciences
Classification: Benign for FASN-related condition. Last evaluated: 2019-06-26. Review status: no assertion criteria provided. Collection method: clinical testing. Allele origin: germline. Not counted in ClinVar's aggregate classification.
Comment: This variant is classified as benign based on ACMG/AMP sequence variant interpretation guidelines (Richards et al. 2015 PMID: 25741868, with internal and published modifications).

NM_004104.5(FASN):c.2815G>A (p.Glu939Lys)

Gene: FASN (fatty acid synthase; minus strand). Cytogenetic location: 17q25.3.
Variant type: single nucleotide variant.
Coding change: c.2815G>A on transcript NM_004104.5 (MANE Select); coding-DNA position 2815, G replaced by A.
Protein change: p.Glu939Lys; replaces glutamic acid 939 with lysine.
Molecular consequence: missense variant.
Genome position (GRCh38, 1-based): chr17:82,088,005, C>T on the plus strand (G>A on the coding strand, the complement: FASN is on the minus strand). VCF-style: chr17-82088005-C-T. GRCh37 (hg19) VCF-style: chr17-80045881-C-T.
Other names: short protein forms E939K.
Identifiers: ClinVar variation 462030 (VCV000462030.36), dbSNP rs142371324, ClinGen allele CA8852635.